The following is an entry in ClinVar:

ClinVar aggregate classification (germline): Uncertain significance (1 of 4 stars; one submission).

Conditions:
Hereditary diffuse gastric adenocarcinoma (HDGC). Also called: DIFFUSE GASTRIC AND LOBULAR BREAST CANCER SYNDROME. Identifiers: Orphanet 26106, MedGen C1708349, MONDO:0007648, OMIM 137215.

Submission:

Labcorp Genetics (formerly Invitae), Labcorp
Classification: Uncertain significance for Hereditary diffuse gastric adenocarcinoma. Last evaluated: 2019-02-17. Review status: criteria provided, single submitter. Criteria: Invitae Variant Classification Sherloc (09022015). Collection method: clinical testing. Allele origin: germline.
Comment: In summary, the available evidence is currently insufficient to determine the role of this variant in disease. Therefore, it has been classified as a Variant of Uncertain Significance. Nucleotide substitutions within the consensus splice site are a relatively common cause of aberrant splicing (PMID: 17576681, 9536098). Algorithms developed to predict the effect of sequence changes on RNA splicing suggest that this variant is not likely to affect RNA splicing, but this prediction has not been confirmed by published transcriptional studies. This variant has not been reported in the literature in individuals with CDH1-related conditions. This variant is not present in population databases (ExAC no frequency). This sequence change falls in intron 4 of the CDH1 gene. It does not directly change the encoded amino acid sequence of the CDH1 protein, but it affects a nucleotide within the consensus splice site of the intron.

Literature cited by the submitters: PubMed 17576681; PubMed 9536098.

NM_004360.5(CDH1):c.531+6G>A

Gene: CDH1 (cadherin 1; plus strand). Cytogenetic location: 16q22.1.
Variant type: single nucleotide variant.
Coding change: c.531+6G>A on transcript NM_004360.5 (MANE Select); 6 bases into the intron after coding-DNA position 531, G replaced by A.
Molecular consequence: intron variant.
Genome position (GRCh38, 1-based): chr16:68,808,573, G>A. VCF-style: chr16-68808573-G-A. GRCh37 (hg19) VCF-style: chr16-68842476-G-A.
Other names: c.-1085+6G>A (NM_001317185.2); c.-1289+6G>A (NM_001317186.2); c.531+6G>A (NM_001317184.2).
Identifiers: ClinVar variation 841209 (VCV000841209.8), dbSNP rs1960731673, ClinGen allele CA916081829.